The following is an entry in ClinVar:

NM_018089.3(ANKZF1):c.1958G>A (p.Ser653Asn)

Gene: ANKZF1 (ankyrin repeat and zinc finger peptidyl tRNA hydrolase 1; plus strand). Cytogenetic location: 2q35.
Variant type: single nucleotide variant.
Coding change: c.1958G>A on transcript NM_018089.3 (MANE Select); coding-DNA position 1958, G replaced by A.
Protein change: p.Ser653Asn; replaces serine 653 with asparagine.
Molecular consequence: missense variant.
Genome position (GRCh38, 1-based): chr2:219,235,862, G>A. VCF-style: chr2-219235862-G-A. GRCh37 (hg19) VCF-style: chr2-220100584-G-A.
Other names: c.1958G>A, p.Ser653Asn (NM_001042410.2); c.1328G>A, p.Ser443Asn (NM_001282792.2); short protein forms S653N, S443N.
Identifiers: ClinVar variation 4725286 (VCV004725286.1).

ClinVar aggregate classification (germline): Uncertain significance (1 of 4 stars; one submission).

Submission:

Labcorp Genetics (formerly Invitae), Labcorp
Classification: Uncertain significance. Last evaluated: 2025-08-11. Review status: criteria provided, single submitter. Criteria: Invitae Variant Classification Sherloc (09022015). Collection method: clinical testing. Allele origin: germline.
Comment: This sequence change replaces serine, which is neutral and polar, with asparagine, which is neutral and polar, at codon 653 of the ANKZF1 protein (p.Ser653Asn). This variant is not present in population databases (gnomAD no frequency). This variant has not been reported in the literature in individuals affected with ANKZF1-related conditions. An algorithm developed to predict the effect of missense changes on protein structure and function outputs the following: PolyPhen-2: "Probably Damaging". The asparagine amino acid residue is found in multiple mammalian species, which suggests that this missense change does not adversely affect protein function. In summary, the available evidence is currently insufficient to determine the role of this variant in disease. Therefore, it has been classified as a Variant of Uncertain Significance.